The following is an entry in ClinVar:

ClinVar aggregate classification (germline): Uncertain significance (1 of 4 stars; one submission).

Allele frequency attached by ClinVar (database versions not stated): gnomAD exomes below 0.00001.
gnomAD v4.1: 2 of 1,602,576 alleles (0.00012%); highest among the groups gnomAD compares: Non-Finnish European, 0.00017%; no homozygotes.

Submission:

Ambry Genetics
Classification: Uncertain significance. Last evaluated: 2024-06-12. Review status: criteria provided, single submitter. Criteria: Ambry Variant Classification Scheme 2023. Collection method: clinical testing. Allele origin: germline.
Comment: The p.N161D variant (also known as c.481A>G), located in coding exon 1 of the TERF2IP gene, results from an A to G substitution at nucleotide position 481. The asparagine at codon 161 is replaced by aspartic acid, an amino acid with highly similar properties. This amino acid position is conserved. In addition, this alteration is predicted to be tolerated by in silico analysis. Since supporting evidence is limited at this time, the clinical significance of this alteration remains unclear.

NM_018975.4(TERF2IP):c.481A>G (p.Asn161Asp)

Gene: TERF2IP (TERF2 interacting protein; plus strand). Cytogenetic location: 16q23.1.
Variant type: single nucleotide variant.
Coding change: c.481A>G on transcript NM_018975.4 (MANE Select); coding-DNA position 481, A replaced by G.
Protein change: p.Asn161Asp; replaces asparagine 161 with aspartic acid.
Molecular consequence: missense variant. On other transcripts: non-coding transcript variant (1).
Genome position (GRCh38, 1-based): chr16:75,648,363, A>G. VCF-style: chr16-75648363-A-G. GRCh37 (hg19) VCF-style: chr16-75682261-A-G.
Other names: short protein forms N161D.
Identifiers: ClinVar variation 1743336 (VCV001743336.3), dbSNP rs2507074428, ClinGen allele CA396817990.